The following is an entry in ClinVar:

NM_001369.3(DNAH5):c.6988+2T>C

Gene: DNAH5 (dynein axonemal heavy chain 5; minus strand). Cytogenetic location: 5p15.2.
Variant type: single nucleotide variant.
Coding change: c.6988+2T>C on transcript NM_001369.3 (MANE Select); the canonical splice donor site of the intron after coding-DNA position 6988, T replaced by C.
Molecular consequence: splice donor variant.
Genome position (GRCh38, 1-based): chr5:13,817,546, A>G on the plus strand (T>C on the coding strand, the complement: DNAH5 is on the minus strand). VCF-style: chr5-13817546-A-G. GRCh37 (hg19) VCF-style: chr5-13817655-A-G.
Identifiers: ClinVar variation 1344585 (VCV001344585.9), dbSNP rs2151806960, ClinGen allele CA359192391.

ClinVar aggregate classification (germline): Pathogenic/Likely pathogenic. Review status: criteria provided, multiple submitters, no conflicts (2 of 4 stars). 3 submissions from 3 submitters: Pathogenic (1); Likely pathogenic (1). 1 of the submissions does not count toward it. Last evaluated 2025-02-18.

Conditions:
Primary ciliary dyskinesia. Also called: Ciliary dyskinesia. Identifiers: Orphanet 244, MedGen C0008780, MONDO:0016575, HP:0012265.

gnomAD v4.1: 1 of 1,613,914 alleles (0.000062%); highest among the groups gnomAD compares: Non-Finnish European, 0.000085%; no homozygotes.

Submissions (3):

Natera, Inc.
Classification: Likely pathogenic for Primary ciliary dyskinesia. Last evaluated: 2025-02-18. Review status: criteria provided, single submitter. Criteria: Natera Variant Classification Schema (03/2026). Collection method: clinical testing. Allele origin: germline.
Comment: The c.6988+2T>C variant in DNAH5 is a canonical splice donor site variant predicted to affect pre-mRNA splicing, which may result in an abnormal transcript and altered protein product. This variant may result in a truncated or dysfunctional protein product. This variant is rare in the general population with a frequency below the threshold expected for the associated phenotype(s). This variant has been observed in one or more individuals affected with the associated recessive disease, as either homozygous or compound heterozygous with a second variant (PMID: 25802884). Additionally, this variant has been observed to segregate in affected family members (PMID: 25802884). Given the available evidence, this variant is classified as Likely Pathogenic.

Labcorp Genetics (formerly Invitae), Labcorp
Classification: Pathogenic for Primary ciliary dyskinesia. Last evaluated: 2023-07-22. Review status: criteria provided, single submitter. Criteria: Invitae Variant Classification Sherloc (09022015). Collection method: clinical testing. Allele origin: germline.
Comment: Algorithms developed to predict the effect of sequence changes on RNA splicing suggest that this variant may disrupt the consensus splice site. For these reasons, this variant has been classified as Pathogenic. ClinVar contains an entry for this variant (Variation ID: 1344585). Disruption of this splice site has been observed in individual(s) with primary ciliary dyskinesia (PMID: 25802884, 30067075; Invitae). It has also been observed to segregate with disease in related individuals. This variant is not present in population databases (gnomAD no frequency). This sequence change affects a donor splice site in intron 42 of the DNAH5 gene. It is expected to disrupt RNA splicing. Variants that disrupt the donor or acceptor splice site typically lead to a loss of protein function (PMID: 16199547), and loss-of-function variants in DNAH5 are known to be pathogenic (PMID: 11788826, 16627867).

Yale Center for Mendelian Genomics, Yale University
Classification: Likely pathogenic for Primary ciliary dyskinesia. Last evaluated: 2018-08-01. Review status: no assertion criteria provided. Collection method: literature only. Allele origin: germline. Affected: yes. Observed: 2 compound heterozygotes. Study: Yale Center for Mendelian Genomics. Not counted in ClinVar's aggregate classification.

Literature cited by the submitters: PubMed 25802884 (cited by Natera, Inc. and Labcorp Genetics (formerly Invitae), Labcorp); PubMed 30067075 (cited by Labcorp Genetics (formerly Invitae), Labcorp and Yale Center for Mendelian Genomics, Yale University); PubMed 16199547 (cited by Labcorp Genetics (formerly Invitae), Labcorp); PubMed 11788826 (cited by Labcorp Genetics (formerly Invitae), Labcorp); PubMed 16627867 (cited by Labcorp Genetics (formerly Invitae), Labcorp).